The following is an entry in ClinVar:

NM_001127222.2(CACNA1A):c.3533del (p.Leu1178fs)

Gene: CACNA1A (calcium voltage-gated channel subunit alpha1 A; minus strand). Cytogenetic location: 19p13.13.
Variant type: Deletion.
Coding change: c.3533del on transcript NM_001127222.2 (MANE Select); coding-DNA position 3533, one base deleted (T; older notation c.3533delT).
Protein change: p.Leu1178fs; shifts the reading frame from leucine 1178.
Molecular consequence: frameshift variant.
Genome position (GRCh38, 1-based): chr19:13,286,523, A deleted on the plus strand (T on the coding strand, the reverse complement: CACNA1A is on the minus strand). VCF-style (leftmost placement, unchanged base first): chr19-13286522-GA-G. GRCh37 (hg19) VCF-style: chr19-13397336-GA-G.
Other names: c.3545del, p.Leu1182fs (NM_000068.4, NM_023035.3); c.3536del, p.Leu1179fs (NM_001127221.2, NM_001174080.2); c.3536del (NM_001127221.1); c.3536delT (NM_001127221.1); short protein forms L1178fs, L1179fs, L1182fs.
Identifiers: ClinVar variation 659920 (VCV000659920.5), dbSNP rs1568494824, ClinGen allele CA915952495.

ClinVar aggregate classification (germline): Pathogenic/Likely pathogenic. Review status: criteria provided, multiple submitters, no conflicts (2 of 4 stars). 2 submissions from 2 submitters: Pathogenic (1); Likely pathogenic (1). Last evaluated 2023-11-28.

Conditions:
Developmental and epileptic encephalopathy, 42 (DEE42A). Also called: Epileptic encephalopathy, early infantile, 42; DEVELOPMENTAL AND EPILEPTIC ENCEPHALOPATHY 42A; EPILEPTIC ENCEPHALOPATHY, EARLY INFANTILE, 42A. Identifiers: MedGen C4310716, MONDO:0014917, OMIM 617106.
Episodic ataxia type 2 (EA2). Also called: CEREBELLAR ATAXIA, PAROXYSMAL, ACETAZOLAMIDE-RESPONSIVE; CEREBELLOPATHY, HEREDITARY PAROXYSMAL; EPISODIC ATAXIA, NYSTAGMUS-ASSOCIATED; ATAXIA, EPISODIC, WITH NYSTAGMUS; ATAXIA, FAMILIAL PAROXYSMAL; ACETAZOLAMIDE-RESPONSIVE HEREDITARY PAROXYSMAL CEREBELLAR ATAXIA. Identifiers: Orphanet 97, MedGen C1720416, MONDO:0007163, OMIM 108500.

Submissions (2):

GeneDx
Classification: Likely pathogenic. Last evaluated: 2023-11-28. Review status: criteria provided, single submitter. Criteria: GeneDx Variant Classification Process June 2021. Collection method: clinical testing. Allele origin: germline. Affected: yes.
Comment: Observed as a heterozygous variant in a patient from a cohort of individuals with epilepsy in the published literature (PMID: 31440721); Frameshift variant predicted to result in protein truncation or nonsense mediated decay in a gene for which loss of function is a known mechanism of disease; This variant is associated with the following publications: (PMID: 31440721)

Labcorp Genetics (formerly Invitae), Labcorp
Classification: Pathogenic for Developmental and epileptic encephalopathy, 42; Episodic ataxia type 2. Last evaluated: 2023-06-06. Review status: criteria provided, single submitter. Criteria: Invitae Variant Classification Sherloc (09022015). Collection method: clinical testing. Allele origin: germline.
Comment: This variant has not been reported in the literature in individuals affected with CACNA1A-related conditions. For these reasons, this variant has been classified as Pathogenic. ClinVar contains an entry for this variant (Variation ID: 659920). This variant is not present in population databases (gnomAD no frequency). This sequence change creates a premature translational stop signal (p.Leu1179Profs*8) in the CACNA1A gene. It is expected to result in an absent or disrupted protein product. Loss-of-function variants in CACNA1A are known to be pathogenic (PMID: 10371528, 19486177, 25735478, 27250579).

Literature cited by the submitters: PubMed 10371528 (cited by Labcorp Genetics (formerly Invitae), Labcorp); PubMed 19486177 (cited by Labcorp Genetics (formerly Invitae), Labcorp); PubMed 25735478 (cited by Labcorp Genetics (formerly Invitae), Labcorp); PubMed 27250579 (cited by Labcorp Genetics (formerly Invitae), Labcorp).